The following is an entry in ClinVar:

NM_002439.5(MSH3):c.1078A>G (p.Met360Val)

Gene: MSH3 (mutS homolog 3; plus strand). Cytogenetic location: 5q14.1.
Variant type: single nucleotide variant.
Coding change: c.1078A>G on transcript NM_002439.5 (MANE Select); coding-DNA position 1078, A replaced by G.
Protein change: p.Met360Val; replaces methionine 360 with valine.
Molecular consequence: missense variant.
Genome position (GRCh38, 1-based): chr5:80,675,033, A>G. VCF-style: chr5-80675033-A-G. GRCh37 (hg19) VCF-style: chr5-79970852-A-G.
Other names: short protein forms M360V.
Identifiers: ClinVar variation 942400 (VCV000942400.15), dbSNP rs1260085751, ClinGen allele CA360268006.

ClinVar aggregate classification (germline): Uncertain significance. Review status: criteria provided, multiple submitters, no conflicts (2 of 4 stars). 2 submissions from 2 submitters: Uncertain significance (2). Last evaluated 2025-05-02.

Conditions:
Familial adenomatous polyposis 4 (FAP4). Also called: MSH3-related attenuated familial adenomatous polyposis. Identifiers: Orphanet 480536, MedGen C4310719, MONDO:0044300, OMIM 617100.
Hereditary cancer-predisposing syndrome. Also called: Hereditary neoplastic syndrome; Neoplastic Syndromes, Hereditary; Tumor predisposition; Hereditary Cancer Syndrome. Identifiers: Orphanet 140162, MedGen C0027672, MeSH D009386, MONDO:0015356.

Allele frequency attached by ClinVar (database versions not stated): TOPMed below 0.00001; gnomAD 0.00001.
gnomAD v4.1: 1 of 1,613,032 alleles (0.000062%); highest among the groups gnomAD compares: Admixed American, 0.0017%; no homozygotes.

Submissions (2):

Ambry Genetics
Classification: Uncertain significance for Hereditary cancer-predisposing syndrome. Last evaluated: 2025-05-02. Review status: criteria provided, single submitter. Criteria: Ambry Variant Classification Scheme 2023. Collection method: clinical testing. Allele origin: germline.
Comment: The p.M360V variant (also known as c.1078A>G), located in coding exon 7 of the MSH3 gene, results from an A to G substitution at nucleotide position 1078. The methionine at codon 360 is replaced by valine, an amino acid with highly similar properties. This amino acid position is poorly conserved in available vertebrate species. In addition, this alteration is predicted to be tolerated by in silico analysis. Since supporting evidence is limited at this time, the clinical significance of this alteration remains unclear.

Labcorp Genetics (formerly Invitae), Labcorp
Classification: Uncertain significance. Last evaluated: 2022-12-15. Review status: criteria provided, single submitter. Criteria: Invitae Variant Classification Sherloc (09022015). Collection method: clinical testing. Allele origin: germline.
Comment: ClinVar contains an entry for this variant (Variation ID: 942400). Algorithms developed to predict the effect of missense changes on protein structure and function output the following: SIFT: "Tolerated"; PolyPhen-2: "Benign"; Align-GVGD: "Class C0". The valine amino acid residue is found in multiple mammalian species, which suggests that this missense change does not adversely affect protein function. In summary, the available evidence is currently insufficient to determine the role of this variant in disease. Therefore, it has been classified as a Variant of Uncertain Significance. This variant has not been reported in the literature in individuals affected with MSH3-related conditions. This sequence change replaces methionine, which is neutral and non-polar, with valine, which is neutral and non-polar, at codon 360 of the MSH3 protein (p.Met360Val). This variant is not present in population databases (gnomAD no frequency).